The following is an entry in ClinVar:

ClinVar aggregate classification (germline): Uncertain significance (1 of 4 stars; one submission).

Conditions:
Hereditary pancreatitis (PCTT). Also called: Hereditary chronic pancreatitis; PRSS1-Related Hereditary Pancreatitis. Identifiers: Orphanet 676, MedGen C0238339, MONDO:0008185, OMIM 167800.

Submission:

Ambry Genetics
Classification: Uncertain significance for Hereditary pancreatitis. Last evaluated: 2024-09-12. Review status: criteria provided, single submitter. Criteria: Ambry Variant Classification Scheme 2023. Collection method: clinical testing. Allele origin: germline.
Comment: The p.V136L variant (also known as c.406G>C), located in coding exon 4 of the CPA1 gene, results from a G to C substitution at nucleotide position 406. The valine at codon 136 is replaced by leucine, an amino acid with highly similar properties. This amino acid position is conserved. In addition, this alteration is predicted to be tolerated by in silico analysis. Based on the available evidence, the clinical significance of this variant remains unclear.

NM_001868.4(CPA1):c.406G>C (p.Val136Leu)

Gene: CPA1 (carboxypeptidase A1; plus strand). Cytogenetic location: 7q32.2.
Variant type: single nucleotide variant.
Coding change: c.406G>C on transcript NM_001868.4 (MANE Select); coding-DNA position 406, G replaced by C.
Protein change: p.Val136Leu; replaces valine 136 with leucine.
Molecular consequence: missense variant.
Genome position (GRCh38, 1-based): chr7:130,382,132, G>C. VCF-style: chr7-130382132-G-C. GRCh37 (hg19) VCF-style: chr7-130021973-G-C.
Other names: short protein forms V136L.
Identifiers: ClinVar variation 3496176 (VCV003496176.1).